The following is an entry in ClinVar:

ClinVar aggregate classification (germline): Uncertain significance. Review status: criteria provided, multiple submitters, no conflicts (2 of 4 stars). 3 submissions from 3 submitters: Uncertain significance (3). Last evaluated 2025-07-07.

Allele frequency attached by ClinVar (database versions not stated): ESP Exome Variant Server 0.00023; ExAC 0.00033.

Submissions (3):

Labcorp Genetics (formerly Invitae), Labcorp
Classification: Uncertain significance. Last evaluated: 2025-07-07. Review status: criteria provided, single submitter. Criteria: Invitae Variant Classification Sherloc (09022015). Collection method: clinical testing. Allele origin: germline.
Comment: This sequence change replaces arginine, which is basic and polar, with cysteine, which is neutral and slightly polar, at codon 226 of the PDE2A protein (p.Arg226Cys). This variant is present in population databases (rs371714314, gnomAD 0.03%). This variant has not been reported in the literature in individuals affected with PDE2A-related conditions. ClinVar contains an entry for this variant (Variation ID: 1175802). An algorithm developed to predict the effect of missense changes on protein structure and function (PolyPhen-2) suggests that this variant is likely to be tolerated. In summary, the available evidence is currently insufficient to determine the role of this variant in disease. Therefore, it has been classified as a Variant of Uncertain Significance.

CeGaT Center for Human Genetics Tuebingen
Classification: Uncertain significance. Last evaluated: 2022-08-01. Review status: criteria provided, single submitter. Criteria: CeGaT Center For Human Genetics Tuebingen Variant Classification Criteria Version 2. Collection method: clinical testing. Allele origin: germline. Affected: yes. Observed: 2 variant alleles.
Comment: PDE2A: PP2, BP4

Breakthrough Genomics
Classification: Uncertain significance. Review status: criteria provided, single submitter. Criteria: ACMG Guidelines, 2015. Collection method: not provided. Allele origin: germline. Inheritance: Autosomal recessive inheritance. Affected: yes.

NM_002599.5(PDE2A):c.676C>T (p.Arg226Cys)

Gene: PDE2A (phosphodiesterase 2A; minus strand). Cytogenetic location: 11q13.4.
Variant type: single nucleotide variant.
Coding change: c.676C>T on transcript NM_002599.5 (MANE Select); coding-DNA position 676, C replaced by T.
Protein change: p.Arg226Cys; replaces arginine 226 with cysteine.
Molecular consequence: missense variant.
Genome position (GRCh38, 1-based): chr11:72,590,454, G>A on the plus strand (C>T on the coding strand, the complement: PDE2A is on the minus strand). VCF-style: chr11-72590454-G-A. GRCh37 (hg19) VCF-style: chr11-72301498-G-A.
Other names: c.655C>T, p.Arg219Cys (NM_001143839.4); c.649C>T, p.Arg217Cys (NM_001146209.3); c.613C>T, p.Arg205Cys (NM_001243784.2); short protein forms R205C, R217C, R219C, R226C.
Identifiers: ClinVar variation 1175802 (VCV001175802.40), dbSNP rs371714314, ClinGen allele CA6172495.